The following is an entry in ClinVar:

NM_001113378.2(FANCI):c.756-25_756-19del

Gene: FANCI (FA complementation group I; plus strand). Cytogenetic location: 15q26.1.
Variant type: Deletion.
Coding change: c.756-25_756-19del on transcript NM_001113378.2 (MANE Select); 25 bases into the intron before coding-DNA position 756 through 19 bases into the intron before coding-DNA position 756, 7 bases deleted (CATAACT; older notation c.756-25_756-19delCATAACT).
Molecular consequence: intron variant.
Genome position (GRCh38, 1-based): chr15:89,268,374-89,268,380, CATAACT deleted; deleting any 7 consecutive bases within chr15:89,268,372-89,268,380 gives the same sequence; the c. name uses the placement nearest the transcript's 3' end. VCF-style (leftmost placement, unchanged base first): chr15-89268371-GCTCATAA-G. GRCh37 (hg19) VCF-style: chr15-89811602-GCTCATAA-G.
Other names: c.756-25_756-19del (NM_018193.3, NM_001376911.1); c.477-25_477-19del (NM_001376910.1).
Identifiers: ClinVar variation 929720 (VCV000929720.1), dbSNP rs2053061271, ClinGen allele CA1139664140.
Genomic context (GRCh38, chr15:89,268,371, plus strand): 5'-TGCGCCCGCCTTGGCCTCCCAAAGTGCTGGCATTACAGGCATGAGCCACTGCACCTTATA[GCTCATAA>G]CTTTCTGTTGAATCTTTTAGGCTATTGGATGTTGTCACTGTGCCATCAGGTGAACTTCGT-3'

ClinVar aggregate classification (germline): Pathogenic (0 of 4 stars; one submission).

Conditions:
Fanconi anemia complementation group I (FANCI). Also called: FANCI-Related Fanconi Anemia. Identifiers: Orphanet 84, MedGen C1836861, MONDO:0012186, OMIM 609053.

Submission:

Leiden Open Variation Database
Classification: Pathogenic for Fanconi anemia complementation group I. Last evaluated: 2011-02-07. Review status: no assertion criteria provided. Collection method: curation. Allele origin: germline. Affected: yes.
Comment: Curator: Arleen D. Auerbach. Submitter to LOVD: Arleen D. Auerbach.